The following is an entry in ClinVar:

ClinVar aggregate classification (germline): Uncertain significance (1 of 4 stars; one submission).

Conditions:
Bardet-Biedl syndrome (BBS). Identifiers: Orphanet 110, MedGen C0752166, MONDO:0015229.

Submission:

Labcorp Genetics (formerly Invitae), Labcorp
Classification: Uncertain significance for Bardet-Biedl syndrome. Last evaluated: 2022-07-12. Review status: criteria provided, single submitter. Criteria: Invitae Variant Classification Sherloc (09022015). Collection method: clinical testing. Allele origin: germline.
Comment: This variant is not present in population databases (gnomAD no frequency). This sequence change replaces threonine, which is neutral and polar, with alanine, which is neutral and non-polar, at codon 586 of the BBS12 protein (p.Thr586Ala). This variant has not been reported in the literature in individuals affected with BBS12-related conditions. In summary, the available evidence is currently insufficient to determine the role of this variant in disease. Therefore, it has been classified as a Variant of Uncertain Significance. Algorithms developed to predict the effect of missense changes on protein structure and function output the following: SIFT: "Tolerated"; PolyPhen-2: "Benign"; Align-GVGD: "Class C0". The alanine amino acid residue is found in multiple mammalian species, which suggests that this missense change does not adversely affect protein function.

NM_152618.3(BBS12):c.1756A>G (p.Thr586Ala)

Gene: BBS12 (Bardet-Biedl syndrome 12; plus strand). Cytogenetic location: 4q27.
Variant type: single nucleotide variant.
Coding change: c.1756A>G on transcript NM_152618.3 (MANE Select); coding-DNA position 1756, A replaced by G.
Protein change: p.Thr586Ala; replaces threonine 586 with alanine.
Molecular consequence: missense variant.
Genome position (GRCh38, 1-based): chr4:122,743,648, A>G. VCF-style: chr4-122743648-A-G. GRCh37 (hg19) VCF-style: chr4-123664803-A-G.
Other names: c.1756A>G, p.Thr586Ala (NM_001178007.2); short protein forms T586A.
Identifiers: ClinVar variation 2016335 (VCV002016335.4), dbSNP rs2485077968, ClinGen allele CA358225806.
Genomic context (GRCh38, chr4:122,743,648, plus strand): 5'-TCAGGGTGGCTGCATAATACTTCCTCTTGGCTGGCTTCATCTCTGGCAATATACAGACCA[A>G]CTGTGCTTAAATTCCTGGCAAATGGATGGCAGAAATACCTTTCAACTCTCCTATATAACA-3'
Protein context (NP_689831.2, residues 576-596): LASSLAIYRP[Thr586Ala]VLKFLANGWQ